The following is an entry in ClinVar:

NM_001082486.2(ACD):c.1306C>T (p.Pro436Ser)

Gene: ACD (ACD shelterin complex subunit and telomerase recruitment factor; minus strand). Cytogenetic location: 16q22.1.
Variant type: single nucleotide variant.
Coding change: c.1306C>T on transcript NM_001082486.2 (MANE Select); coding-DNA position 1306, C replaced by T.
Protein change: p.Pro436Ser; replaces proline 436 with serine.
Molecular consequence: missense variant.
Genome position (GRCh38, 1-based): chr16:67,657,677, G>A on the plus strand (C>T on the coding strand, the complement: ACD is on the minus strand). VCF-style: chr16-67657677-G-A. GRCh37 (hg19) VCF-style: chr16-67691580-G-A.
Other names: c.1306C>T, p.Pro436Ser (LRG_1237t1); c.1297C>T, p.Pro433Ser (NM_022914.3); short protein forms P436S, P433S.
Identifiers: ClinVar variation 542416 (VCV000542416.10), dbSNP rs201926842, ClinGen allele CA8114367.

ClinVar aggregate classification (germline): Uncertain significance. Review status: criteria provided, multiple submitters, no conflicts (2 of 4 stars). 2 submissions from 2 submitters: Uncertain significance (2). Last evaluated 2025-03-28.

Conditions:
Inborn genetic diseases. Identifiers: MedGen C0950123, MeSH D030342.
Dyskeratosis congenita, autosomal dominant 6 (DKCA6). Identifiers: Orphanet 3322, MedGen C4225284, MONDO:0014690, OMIM 616553.

Allele frequency attached by ClinVar (database versions not stated): ExAC 0.00001; 1000 Genomes Project 0.00020; gnomAD 0.00001; 1000 Genomes Project 30x 0.00031.

Submissions (2):

Ambry Genetics
Classification: Uncertain significance for Inborn genetic diseases. Last evaluated: 2025-03-28. Review status: criteria provided, single submitter. Criteria: Ambry Variant Classification Scheme 2023. Collection method: clinical testing. Allele origin: germline.

Labcorp Genetics (formerly Invitae), Labcorp
Classification: Uncertain significance for Dyskeratosis congenita, autosomal dominant 6. Last evaluated: 2017-09-24. Review status: criteria provided, single submitter. Criteria: Invitae Variant Classification Sherloc (09022015). Collection method: clinical testing. Allele origin: germline.
Comment: This sequence change replaces proline with serine at codon 522 of the ACD protein (p.Pro522Ser). The proline residue is highly conserved and there is a moderate physicochemical difference between proline and serine. This variant is present in population databases (rs201926842, ExAC 0.01%). This variant has not been reported in the literature in individuals with ACD-related disease. Algorithms developed to predict the effect of missense changes on protein structure and function output the following: SIFT: "Tolerated"; PolyPhen-2: "Possibly Damaging"; Align-GVGD: "Class C25". The serine amino acid residue is found in multiple mammalian species, suggesting that this missense change does not adversely affect protein function. These predictions have not been confirmed by published functional studies and their clinical significance is uncertain. In summary, the available evidence is currently insufficient to determine the role of this variant in disease. Therefore, it has been classified as a Variant of Uncertain Significance.